The following is an entry in ClinVar:

NM_006389.5(HYOU1):c.936G>A (p.Glu312=)

Gene: HYOU1 (hypoxia up-regulated 1; minus strand). Cytogenetic location: 11q23.3.
Variant type: single nucleotide variant.
Coding change: c.936G>A on transcript NM_006389.5 (MANE Select); coding-DNA position 936, G replaced by A.
Protein change: p.Glu312=; no amino-acid change (glutamic acid 312 retained).
Molecular consequence: synonymous variant.
Genome position (GRCh38, 1-based): chr11:119,052,688, C>T on the plus strand (G>A on the coding strand, the complement: HYOU1 is on the minus strand). VCF-style: chr11-119052688-C-T. GRCh37 (hg19) VCF-style: chr11-118923400-C-T.
Other names: c.936G>A, p.Glu312= (NM_001130991.3, NM_001411041.1).
Identifiers: ClinVar variation 1917961 (VCV001917961.5), dbSNP rs1382518676, ClinGen allele CA672396129.

ClinVar aggregate classification (germline): Uncertain significance (1 of 4 stars; one submission).

Allele frequency attached by ClinVar (database versions not stated): gnomAD exomes below 0.00001.
gnomAD v4.1: 2 of 1,614,212 alleles (0.00012%); highest among the groups gnomAD compares: Middle Eastern, 0.017%; no homozygotes.

Submission:

Labcorp Genetics (formerly Invitae), Labcorp
Classification: Uncertain significance. Last evaluated: 2022-05-20. Review status: criteria provided, single submitter. Criteria: Invitae Variant Classification Sherloc (09022015). Collection method: clinical testing. Allele origin: germline.
Comment: In summary, the available evidence is currently insufficient to determine the role of this variant in disease. Therefore, it has been classified as a Variant of Uncertain Significance. Experimental studies and prediction algorithms are not available or were not evaluated, and the effect of this variant on mRNA splicing is currently unknown. This variant has not been reported in the literature in individuals affected with HYOU1-related conditions. This variant is present in population databases (no rsID available, gnomAD 0.003%). This sequence change affects codon 312 of the HYOU1 mRNA. It is a 'silent' change, meaning that it does not change the encoded amino acid sequence of the HYOU1 protein.